The following is an entry in ClinVar:

ClinVar aggregate classification (germline): Uncertain significance. Review status: criteria provided, single submitter (1 of 4 stars). 2 submissions from 2 submitters: Uncertain significance (1). 1 of the submissions does not count toward it. Last evaluated 2023-06-16.

Conditions:
Primary ciliary dyskinesia. Also called: Ciliary dyskinesia. Identifiers: Orphanet 244, MedGen C0008780, MONDO:0016575, HP:0012265.
Retinitis pigmentosa (RP). Identifiers: Orphanet 791, MedGen C0035334, MeSH D012174, MONDO:0019200, OMIM 268000. Inheritance: Autosomal dominant, autosomal recessive and X linked inheritance.

Submissions (2):

Labcorp Genetics (formerly Invitae), Labcorp
Classification: Uncertain significance for Primary ciliary dyskinesia. Last evaluated: 2023-06-16. Review status: criteria provided, single submitter. Criteria: Invitae Variant Classification Sherloc (09022015). Collection method: clinical testing. Allele origin: germline.
Comment: In summary, the available evidence is currently insufficient to determine the role of this variant in disease. Therefore, it has been classified as a Variant of Uncertain Significance. Algorithms developed to predict the effect of sequence changes on RNA splicing suggest that this variant may create or strengthen a splice site. Advanced modeling of protein sequence and biophysical properties (such as structural, functional, and spatial information, amino acid conservation, physicochemical variation, residue mobility, and thermodynamic stability) performed at Invitae indicates that this missense variant is expected to disrupt RPGR protein function. ClinVar contains an entry for this variant (Variation ID: 812423). This missense change has been observed in individual(s) with retinitis pigmentosa (PMID: 23443027, 31456290). This variant is not present in population databases (gnomAD no frequency). This sequence change replaces glycine, which is neutral and non-polar, with arginine, which is basic and polar, at codon 68 of the RPGR protein (p.Gly68Arg).

Sharon lab, Hadassah-Hebrew University Medical Center
Classification: Likely pathogenic for Retinitis pigmentosa. Last evaluated: 2019-06-23. Review status: no assertion criteria provided. Collection method: research. Allele origin: inherited. Affected: yes. Not counted in ClinVar's aggregate classification.

Literature cited by the submitters: PubMed 23443027 (cited by Labcorp Genetics (formerly Invitae), Labcorp); PubMed 31456290 (cited by Labcorp Genetics (formerly Invitae), Labcorp).

NM_001034853.2(RPGR):c.202G>C (p.Gly68Arg)

Gene: RPGR (retinitis pigmentosa GTPase regulator; minus strand). Cytogenetic location: Xp11.4.
Variant type: single nucleotide variant.
Coding change: c.202G>C on transcript NM_001034853.2 (MANE Select); coding-DNA position 202, G replaced by C.
Protein change: p.Gly68Arg; replaces glycine 68 with arginine.
Molecular consequence: missense variant. On other transcripts: non-coding transcript variant (6).
Genome position (GRCh38, 1-based): chrX:38,322,898, C>G on the plus strand (G>C on the coding strand, the complement: RPGR is on the minus strand). VCF-style: chrX-38322898-C-G. GRCh37 (hg19) VCF-style: chrX-38182151-C-G.
Other names: c.202G>C, p.Gly68Arg (NM_000328.3, NM_001367245.1, NM_001367246.1 and 4 more transcripts); c.232G>C, p.Gly78Arg (NM_001367248.1); short protein forms G68R, G78R.
Identifiers: ClinVar variation 812423 (VCV000812423.4), dbSNP rs1601982516, ClinGen allele CA412745595.